The following is an entry in ClinVar:

NM_015192.4(PLCB1):c.464+1G>A

Gene: PLCB1 (phospholipase C beta 1; plus strand). Cytogenetic location: 20p12.3.
Variant type: single nucleotide variant.
Coding change: c.464+1G>A on transcript NM_015192.4 (MANE Select); the canonical splice donor site of the intron after coding-DNA position 464, G replaced by A.
Molecular consequence: splice donor variant.
Genome position (GRCh38, 1-based): chr20:8,646,182, G>A. VCF-style: chr20-8646182-G-A. GRCh37 (hg19) VCF-style: chr20-8626829-G-A.
Other names: c.464+1G>A (NM_182734.3).
Identifiers: ClinVar variation 1907709 (VCV001907709.5), dbSNP rs1989166718, ClinGen allele CA408262558.

ClinVar aggregate classification (germline): Likely pathogenic (1 of 4 stars; one submission).

Conditions:
Developmental and epileptic encephalopathy, 12 (DEE12). Identifiers: MedGen C3150988, MONDO:0013389, OMIM 613722.

Submission:

Labcorp Genetics (formerly Invitae), Labcorp
Classification: Likely pathogenic for Developmental and epileptic encephalopathy, 12. Last evaluated: 2025-03-10. Review status: criteria provided, single submitter. Criteria: Invitae Variant Classification Sherloc (09022015). Collection method: clinical testing. Allele origin: germline.
Comment: This sequence change affects a donor splice site in intron 5 of the PLCB1 gene. It is expected to disrupt RNA splicing. Variants that disrupt the donor or acceptor splice site typically lead to a loss of protein function (PMID: 16199547), and loss-of-function variants in PLCB1 are known to be pathogenic (PMID: 24684524). This variant is not present in population databases (gnomAD no frequency). This variant has not been reported in the literature in individuals affected with PLCB1-related conditions. ClinVar contains an entry for this variant (Variation ID: 1907709). Algorithms developed to predict the effect of sequence changes on RNA splicing suggest that this variant may disrupt the consensus splice site. In summary, the currently available evidence indicates that the variant is pathogenic, but additional data are needed to prove that conclusively. Therefore, this variant has been classified as Likely Pathogenic.

Literature cited by the submitters: PubMed 16199547; PubMed 24684524.